The following is an entry in ClinVar:

NM_001267550.2(TTN):c.76378G>T (p.Gly25460Ter)

Genes: TTN (titin; minus strand), TTN-AS1 (TTN antisense RNA 1; plus strand). Cytogenetic location: 2q31.2.
Variant type: single nucleotide variant.
Coding change: c.76378G>T on transcript NM_001267550.2 (MANE Select); coding-DNA position 76378, G replaced by T.
Protein change: p.Gly25460Ter; replaces glycine 25460 with a stop codon.
Molecular consequence: nonsense.
Genome position (GRCh38, 1-based): chr2:178,569,754, C>A on the plus strand (G>T on the coding strand, the complement: TTN is on the minus strand). VCF-style: chr2-178569754-C-A. GRCh37 (hg19) VCF-style: chr2-179434481-C-A.
Other names: c.71455G>T, p.Gly23819Ter (NM_001256850.1); c.49183G>T, p.Gly16395Ter (NM_003319.4); c.68674G>T, p.Gly22892Ter (NM_133378.4); c.49558G>T, p.Gly16520Ter (NM_133432.3); c.49759G>T, p.Gly16587Ter (NM_133437.4); short protein forms G16395*, G16520*, G23819*, G25460*, G16587*, G22892*.
Identifiers: ClinVar variation 4784504 (VCV004784504.1).

ClinVar aggregate classification (germline): Likely pathogenic (1 of 4 stars; one submission).

Conditions:
Dilated cardiomyopathy 1G (CMD1G). Identifiers: Orphanet 154, MedGen C1858763, MONDO:0011400, OMIM 604145.
Autosomal recessive limb-girdle muscular dystrophy type 2J (LGMDR10). Also called: Limb-girdle muscular dystrophy, type 2J; MUSCULAR DYSTROPHY, LIMB-GIRDLE, AUTOSOMAL RECESSIVE 10. Identifiers: Orphanet 140922, MedGen C1837342, MONDO:0012127, OMIM 608807.

Submission:

Labcorp Genetics (formerly Invitae), Labcorp
Classification: Likely pathogenic for Dilated cardiomyopathy 1G; Autosomal recessive limb-girdle muscular dystrophy type 2J. Last evaluated: 2025-03-23. Review status: criteria provided, single submitter. Criteria: Invitae Variant Classification Sherloc (09022015). Collection method: clinical testing. Allele origin: germline.
Comment: This sequence change creates a premature translational stop signal (p.Gly25460*) in the TTN gene. While this is not anticipated to result in nonsense mediated decay, it is expected to create a truncated TTN protein. This variant is not present in population databases (gnomAD no frequency). This variant has not been reported in the literature in individuals affected with TTN-related conditions. This variant is located in the A band of TTN (PMID: 25589632). Truncating variants in this region are significantly overrepresented in patients affected with dilated cardiomyopathy (PMID: 25589632). Truncating variants in this region have also been reported in individuals affected with autosomal recessive centronuclear myopathy (PMID: 23975875). In summary, the currently available evidence indicates that the variant is pathogenic, but additional data are needed to prove that conclusively. Therefore, this variant has been classified as Likely Pathogenic.

Literature cited by the submitters: PubMed 25589632; PubMed 23975875.